The following is an entry in ClinVar:

ClinVar aggregate classification (germline): Conflicting classifications of pathogenicity. Review status: criteria provided, conflicting classifications (1 of 4 stars). 7 submissions from 7 submitters: Uncertain significance (5); Likely benign (2). Last evaluated 2026-01-28.

Conditions:
Hereditary cancer-predisposing syndrome. Also called: Neoplastic Syndromes, Hereditary; Hereditary Cancer Syndrome; Hereditary neoplastic syndrome; Tumor predisposition. Identifiers: Orphanet 140162, MedGen C0027672, MeSH D009386, MONDO:0015356.
Hereditary breast ovarian cancer syndrome. Also called: Hereditary breast and ovarian cancer syndrome; Hereditary breast and/or ovarian cancer syndrome; BRCA1- and BRCA2-Associated Hereditary Breast and Ovarian Cancer; Hereditary breast and ovarian cancer; Breast and ovarian cancer; Hereditary breast and ovarian cancer syndrome (HBOC). Identifiers: Orphanet 145, MedGen C0677776, MeSH D061325, MONDO:0003582. Disease mechanism: loss of function.
Breast-ovarian cancer, familial, susceptibility to, 2 (BROVCA2). Also called: BRCA2 Hereditary Breast and Ovarian Cancer. Identifiers: Orphanet 145, MedGen C2675520, MONDO:0012933, OMIM 612555. Disease mechanism: loss of function.

Allele frequency attached by ClinVar (database versions not stated): gnomAD exomes below 0.00001 and 0.00001; ExAC 0.00001; gnomAD 0.00001; 1000 Genomes Project 0.00020; 1000 Genomes Project 30x 0.00031.
gnomAD v4.1: 13 of 1,613,656 alleles (0.00081%); highest among the groups gnomAD compares: East Asian, 0.027%; no homozygotes.

Submissions (7):

Labcorp Genetics (formerly Invitae), Labcorp
Classification: Uncertain significance for Hereditary breast ovarian cancer syndrome. Last evaluated: 2026-01-28. Review status: criteria provided, single submitter. Criteria: Invitae Variant Classification Sherloc (09022015). Collection method: clinical testing. Allele origin: germline.
Comment: This sequence change replaces isoleucine, which is neutral and non-polar, with threonine, which is neutral and polar, at codon 411 of the BRCA2 protein (p.Ile411Thr). This variant is not present in population databases (gnomAD no frequency). This missense change has been observed in individual(s) with breast cancer (PMID: 20104584, 30287823). This variant is also known as c.1460T>C. ClinVar contains an entry for this variant (Variation ID: 141125). Invitae Evidence Modeling of protein sequence and biophysical properties (such as structural, functional, and spatial information, amino acid conservation, physicochemical variation, residue mobility, and thermodynamic stability) indicates that this missense variant is not expected to disrupt BRCA2 protein function with a negative predictive value of 95%. Experimental studies have shown that this missense change does not substantially affect BRCA2 function (PMID: 37731132). In summary, the available evidence is currently insufficient to determine the role of this variant in disease. Therefore, it has been classified as a Variant of Uncertain Significance.

All of Us Research Program, National Institutes of Health
Classification: Uncertain significance for Breast-ovarian cancer, familial, susceptibility to, 2. Last evaluated: 2023-12-01. Review status: criteria provided, single submitter. Criteria: ACMG Guidelines, 2015. Collection method: clinical testing. Allele origin: germline. Inheritance: Autosomal dominant inheritance. Observed: 1 variant allele, 1 heterozygote.
Comment: This missense variant replaces isoleucine with threonine at codon 411 of the BRCA2 protein. Computational prediction suggests that this variant may not impact protein structure and function (internally defined REVEL score threshold <= 0.5, PMID: 27666373). To our knowledge, functional studies have not been reported for this variant. This variant has been reported in an individual affected with breast cancer (PMID: 20104584). This variant also has been detected in breast, colorectal, pancreatic and prostate case-controls studies in the Japanese population and found in both cohorts, in which disease association could not be established (PMID: 30287823, 31214711, 32980694, 33309985). This variant has been identified in 1/250274 chromosomes in the general population by the Genome Aggregation Database (gnomAD). The available evidence is insufficient to determine the role of this variant in disease conclusively. Therefore, this variant is classified as a Variant of Uncertain Significance.

This study involves interpretation of variants in research participants for the purpose of population health screening. Participant phenotype was not available at the time of variant classification. Additional details can be found in publication PMID: 35346344, PMCID: PMC8962531

GeneDx
Classification: Uncertain significance. Last evaluated: 2023-03-28. Review status: criteria provided, single submitter. Criteria: GeneDx Variant Classification Process June 2021. Collection method: clinical testing. Allele origin: germline. Affected: yes.
Comment: Observed in individuals with breast and colorectal cancer, but also in unaffected controls (Borg et al., 20010; Capanu et al., 2011; Momozawa et al., 2018; Fujita et al., 2020); In silico analysis supports that this missense variant does not alter protein structure/function; Not observed at significant frequency in large population cohorts (gnomAD); Also known as 1460T>C; This variant is associated with the following publications: (PMID: 33309985, 20104584, 30287823, 21520273, 32377563, 29884841)

University of Washington Department of Laboratory Medicine, University of Washington
Classification: Likely benign for Hereditary cancer-predisposing syndrome. Last evaluated: 2023-03-23. Review status: criteria provided, single submitter. Criteria: Dines et al. (Genet Med. 2020). Collection method: curation. Allele origin: germline.
Comment: Missense variant in a coldspot region where missense variants are very unlikely to be pathogenic (PMID:31911673).

BRCA2 exon 10 coldspot. Reclassification based on statistical prior probability.

Color Diagnostics, LLC DBA Color Health
Classification: Uncertain significance for Hereditary cancer-predisposing syndrome. Last evaluated: 2022-09-27. Review status: criteria provided, single submitter. Criteria: ACMG Guidelines, 2015. Collection method: clinical testing. Allele origin: germline.
Comment: This missense variant replaces isoleucine with threonine at codon 411 of the BRCA2 protein. Computational prediction suggests that this variant may not impact protein structure and function (internally defined REVEL score threshold <= 0.5, PMID: 27666373). To our knowledge, functional studies have not been reported for this variant. This variant has been reported in an individual affected with breast cancer (PMID: 20104584). This variant also has been detected in breast, colorectal, pancreatic and prostate case-controls studies in the Japanese population and found in both cohorts, in which disease association could not be established (PMID: 30287823, 31214711, 32980694, 33309985). This variant has been identified in 1/250274 chromosomes in the general population by the Genome Aggregation Database (gnomAD). The available evidence is insufficient to determine the role of this variant in disease conclusively. Therefore, this variant is classified as a Variant of Uncertain Significance.

Women's Health and Genetics/Laboratory Corporation of America, LabCorp
Classification: Uncertain significance. Last evaluated: 2021-11-18. Review status: criteria provided, single submitter. Criteria: LabCorp Variant Classification Summary - May 2015. Collection method: clinical testing. Allele origin: germline.
Comment: Variant summary: BRCA2 c.1232T>C (p.Ile411Thr) results in a non-conservative amino acid change in the encoded protein sequence. Four of five in-silico tools predict a benign effect of the variant on protein function. The variant allele was found at a frequency of 5.1e-05 in 272756 control chromosomes. This frequency is not significantly higher than expected for a pathogenic variant in BRCA2 causing Hereditary Breast And Ovarian Cancer Syndrome (5.1e-05 vs 0.00075), allowing no conclusion about variant significance. c.1232T>C has been reported in the literature in individuals affected with Hereditary Breast And Ovarian Cancer Syndrome or other cancers (Momozawa_2018, Capanu_2011, Fujita_2020). These reports do not provide unequivocal conclusions about association of the variant with Hereditary Breast And Ovarian Cancer Syndrome. To our knowledge, no experimental evidence demonstrating an impact on protein function has been reported. Three clinical diagnostic laboratories have submitted clinical-significance assessments for this variant to ClinVar after 2014 without evidence for independent evaluation. Two submitters classified the variant as VUS and one as likely benign. Based on the evidence outlined above, the variant was classified as VUS-possibly benign.

Ambry Genetics
Classification: Likely benign for Hereditary cancer-predisposing syndrome. Last evaluated: 2016-01-19. Review status: criteria provided, single submitter. Criteria: Ambry Variant Classification Scheme 2023. Collection method: clinical testing. Allele origin: germline.

Literature cited by the submitters: PubMed 20104584 (cited by 5 submitters); PubMed 30287823 (cited by 4 submitters); PubMed 37731132 (cited by Labcorp Genetics (formerly Invitae), Labcorp); PubMed 31214711 (cited by All of Us Research Program, National Institutes of Health and Color Diagnostics, LLC DBA Color Health); PubMed 32980694 (cited by All of Us Research Program, National Institutes of Health and Color Diagnostics, LLC DBA Color Health); PubMed 33309985 (cited by 3 submitters); PubMed 21520273 (cited by Women's Health and Genetics/Laboratory Corporation of America, LabCorp).

NM_000059.4(BRCA2):c.1232T>C (p.Ile411Thr)

Gene: BRCA2 (BRCA2 DNA repair associated; plus strand). Cytogenetic location: 13q13.1.
Variant type: single nucleotide variant.
Coding change: c.1232T>C on transcript NM_000059.4 (MANE Select); coding-DNA position 1232, T replaced by C.
Protein change: p.Ile411Thr; replaces isoleucine 411 with threonine.
Molecular consequence: missense variant.
Genome position (GRCh38, 1-based): chr13:32,332,710, T>C. VCF-style: chr13-32332710-T-C. GRCh37 (hg19) VCF-style: chr13-32906847-T-C.
Other names: short protein forms I411T.
Identifiers: ClinVar variation 141125 (VCV000141125.24), dbSNP rs79597821, ClinGen allele CA011259.